The following is an entry in ClinVar:

ClinVar aggregate classification (germline): Uncertain significance. Review status: reviewed by expert panel (3 of 4 stars). 3 submissions from 3 submitters: Uncertain significance (1). 2 of the submissions do not count toward it. Last evaluated 2024-10-22.

Conditions:
Complex neurodevelopmental disorder. Identifiers: Orphanet 528084, MedGen C5568766, MONDO:0100038.
Developmental and epileptic encephalopathy, 11 (DEE11). Also called: Early infantile epileptic encephalopathy 11. Identifiers: Orphanet 1934, MedGen C3150987, MONDO:0013388, OMIM 613721.
Seizures, benign familial infantile, 3 (BFIS3). Also called: CONVULSIONS, BENIGN FAMILIAL INFANTILE, 3; Familial neonatal seizures. Identifiers: Orphanet 140927, Orphanet 306, MedGen C1843140, MONDO:0011904, OMIM 607745.

Submissions (3):

ClinGen Epilepsy Sodium Channel Variant Curation Expert Panel, Clingen
Classification: Uncertain significance for Complex neurodevelopmental disorder. Last evaluated: 2024-10-22. Review status: reviewed by expert panel. Criteria: ClinGen EpilepsySCN ACMG Specifications SCN2A V1.0.0. Collection method: curation. Allele origin: germline. Inheritance: Autosomal dominant inheritance.
Comment: The NM_001040142.2(SCN2A):c.3007C>A (p.Leu1003Ile) variant in SCN2A is a missense variant predicted to cause substitution of leucine by isoleucine at amino acid 1003 (p.Leu1003Ile). This variant has been reported in one family meeting phenotypic criteria for Complex Neurodevelopmental Disorder (MONDO:0100038 (PS4_Supporting; PMID 15048894). In this family, the variant was reported to segregate with Complex Neurodevelopmental Disorder (MONDO:0100038) in two meioses (father with two affected children). This does not meet the threshold of three meioses to apply PP1 (PMID 15048894). This variant is absent from gnomAD v4.1.0 (PM2_Supporting). In summary, this variant meets the criteria to be classified as a variant of uncertain significance for Complex Neurodevelopmental Disorder (MONDO:0100038) based on the ACMG/AMP criteria applied, as specified by the ClinGen Epilepsy Sodium Channel VCEP: PM2_Supporting, PS4_Supporting. (ClinGen Epilepsy Sodium Channel Expert Panel Specifications to the ACMG/AMP Variant Interpretation Guidelines for SCN2A Version 1.0.0; approved 10/22/2024).

Labcorp Genetics (formerly Invitae), Labcorp
Classification: Uncertain significance for Seizures, benign familial infantile, 3; Developmental and epileptic encephalopathy, 11. Last evaluated: 2020-06-20. Review status: criteria provided, single submitter. Criteria: Invitae Variant Classification Sherloc (09022015). Collection method: clinical testing. Allele origin: germline. Not counted in ClinVar's aggregate classification.
Comment: This sequence change replaces leucine with isoleucine at codon 1003 of the SCN2A protein (p.Leu1003Ile). The leucine residue is highly conserved and there is a small physicochemical difference between leucine and isoleucine. This variant is not present in population databases (ExAC no frequency). This variant has been observed to segregate with benign familial neonatal-infantile seizures in a family (PMID: 15048894). ClinVar contains an entry for this variant (Variation ID: 12881). Algorithms developed to predict the effect of missense changes on protein structure and function are either unavailable or do not agree on the potential impact of this missense change (SIFT: "Deleterious"; PolyPhen-2: "Possibly Damaging"; Align-GVGD: "Class C0"). In summary, the available evidence is currently insufficient to determine the role of this variant in disease. Therefore, it has been classified as a Variant of Uncertain Significance.

OMIM
Classification: Pathogenic for SEIZURES, BENIGN FAMILIAL INFANTILE, 3. Last evaluated: 2004-04-01. Review status: no assertion criteria provided. Collection method: literature only. Allele origin: germline. Not counted in ClinVar's aggregate classification.

Literature cited by the submitters: PubMed 15048894 (cited by Labcorp Genetics (formerly Invitae), Labcorp and OMIM).

NM_001040142.2(SCN2A):c.3007C>A (p.Leu1003Ile)

Gene: SCN2A (sodium voltage-gated channel alpha subunit 2; plus strand). Cytogenetic location: 2q24.3.
Variant type: single nucleotide variant.
Coding change: c.3007C>A on transcript NM_001040142.2 (MANE Select); coding-DNA position 3007, C replaced by A.
Protein change: p.Leu1003Ile; replaces leucine 1003 with isoleucine.
Molecular consequence: missense variant.
Genome position (GRCh38, 1-based): chr2:165,354,279, C>A. VCF-style: chr2-165354279-C-A. GRCh37 (hg19) VCF-style: chr2-166210789-C-A.
Other names: NM_001040142.2(SCN2A):c.3007C>A; c.3007C>A, p.Leu1003Ile (NM_001040143.2, NM_001371246.1, NM_001371247.1 and 1 more transcripts); short protein forms L1003I.
Identifiers: ClinVar variation 12881 (VCV000012881.12), dbSNP rs121917754, ClinGen allele CA122775.